The following is an entry in ClinVar:

ClinVar aggregate classification (germline): Uncertain significance. Review status: criteria provided, multiple submitters, no conflicts (2 of 4 stars). 3 submissions from 3 submitters: Uncertain significance (3). Last evaluated 2026-01-21.

Conditions:
Inborn genetic diseases. Identifiers: MedGen C0950123, MeSH D030342.
C1S-related disorder. Also called: C1S-related condition.

Allele frequency attached by ClinVar (database versions not stated): gnomAD 0.00001; ExAC 0.00003; TOPMed 0.00008.
gnomAD v4.1: 22 of 1,613,724 alleles (0.0014%); highest among the groups gnomAD compares: Admixed American, 0.017%; no homozygotes.

Submissions (3):

Labcorp Genetics (formerly Invitae), Labcorp
Classification: Uncertain significance. Last evaluated: 2026-01-21. Review status: criteria provided, single submitter. Criteria: Invitae Variant Classification Sherloc (09022015). Collection method: clinical testing. Allele origin: germline.
Comment: This sequence change replaces proline, which is neutral and non-polar, with threonine, which is neutral and polar, at codon 142 of the C1S protein (p.Pro142Thr). This variant is present in population databases (rs782542532, gnomAD 0.02%). This variant has not been reported in the literature in individuals affected with C1S-related conditions. ClinVar contains an entry for this variant (Variation ID: 1362324). An algorithm developed to predict the effect of missense changes on protein structure and function (PolyPhen-2) suggests that this variant is likely to be tolerated. In summary, the available evidence is currently insufficient to determine the role of this variant in disease. Therefore, it has been classified as a Variant of Uncertain Significance.

Ambry Genetics
Classification: Uncertain significance for Inborn genetic diseases. Last evaluated: 2025-06-29. Review status: criteria provided, single submitter. Criteria: Ambry Variant Classification Scheme 2023. Collection method: clinical testing. Allele origin: germline.

PreventionGenetics, part of Exact Sciences
Classification: Uncertain significance for C1S-related condition. Last evaluated: 2024-12-04. Review status: criteria provided, single submitter. Criteria: ACMG Guidelines, 2015. Collection method: clinical testing. Allele origin: germline.
Comment: The C1S c.424C>A variant is predicted to result in the amino acid substitution p.Pro142Thr. To our knowledge, this variant has not been reported in the literature. This variant is reported in 0.020% of alleles in individuals of Latino descent in gnomAD. At this time, the clinical significance of this variant is uncertain due to the absence of conclusive functional and genetic evidence.

NM_001734.5(C1S):c.424C>A (p.Pro142Thr)

Gene: C1S (complement C1s; plus strand). Cytogenetic location: 12p13.31.
Variant type: single nucleotide variant.
Coding change: c.424C>A on transcript NM_001734.5 (MANE Select); coding-DNA position 424, C replaced by A.
Protein change: p.Pro142Thr; replaces proline 142 with threonine.
Molecular consequence: missense variant. On other transcripts: 5 prime UTR variant (1).
Genome position (GRCh38, 1-based): chr12:7,064,299, C>A. VCF-style: chr12-7064299-C-A. GRCh37 (hg19) VCF-style: chr12-7171603-C-A.
Other names: c.-78C>A (NM_001346850.2); c.424C>A, p.Pro142Thr (NM_201442.4); c.424C>A (NM_201442.2, NM_201442.3); short protein forms P142T.
Identifiers: ClinVar variation 1362324 (VCV001362324.10), dbSNP rs782542532, ClinGen allele CA6423455.